The following is an entry in ClinVar:

ClinVar aggregate classification (germline): Pathogenic/Likely pathogenic. Review status: criteria provided, multiple submitters, no conflicts (2 of 4 stars). 19 submissions from 19 submitters: Pathogenic (12); Likely pathogenic (2). 5 of the submissions do not count toward it. Last evaluated 2026-01-30.

Conditions:
COL4A5-related disorder. Also called: COL4A5-related condition.
X-linked Alport syndrome (ATS1). Also called: COL4A5-Related Nephropathy; NEPHROPATHY AND DEAFNESS, X-LINKED. Identifiers: Orphanet 63, Orphanet 88917, MedGen C4746986, MONDO:0010520, OMIM 301050.
Hematuria. Identifiers: MedGen C0018965, HP:0000790.

Allele frequency attached by ClinVar (database versions not stated): ExAC 0.00002; gnomAD exomes below 0.00001 and 0.00002.
gnomAD v4.1: 4 of 1,208,682 alleles (0.00033%); no homozygotes.

Submissions 1 to 9 of 19:

Natera, Inc.
Classification: Pathogenic for X-linked Alport syndrome. Last evaluated: 2026-01-30. Review status: criteria provided, single submitter. Criteria: Natera Variant Classification Schema (03/2026). Collection method: clinical testing. Allele origin: germline.
Comment: The c.5030G>A variant in COL4A5 is a missense variant predicted to cause substitution of arginine to glutamine at amino acid 1677. This variant is rare in the general population with a frequency below the threshold expected for the associated phenotype(s). This variant has been observed in affected individual(s) with monoallelic occurrence (heterozygous/hemizygous) (PMID: 39430195, 35020912, 35643372, 34693267, 9150741). Additionally, this variant has been observed to segregate in affected family members (PMID: 9150741). Computational prediction algorithms indicate this variant is likely to affect gene or protein function. Given the available evidence, this variant is classified as Pathogenic.

GeneDx
Classification: Pathogenic. Last evaluated: 2025-12-19. Review status: criteria provided, single submitter. Criteria: GeneDx Variant Classification Process June 2021. Collection method: clinical testing. Allele origin: germline. Affected: yes.
Comment: Published functional studies demonstrate p.(R1683Q) results in a loss of formation of the type IV collagen heterotrimers (PMID: 18083113); In silico analysis supports that this missense variant has a deleterious effect on protein structure/function; This variant is associated with the following publications: (PMID: 29144512, 37547535, 29526710, 29204651, 9150741, 20378821, 19919694, 18083113, 30586318, 31027891, 35643372, 37895203)

Victorian Clinical Genetics Services, Murdoch Childrens Research Institute
Classification: Pathogenic for X-linked Alport syndrome. Last evaluated: 2025-09-17. Review status: criteria provided, single submitter. Criteria: ACMG Guidelines, 2015. Collection method: clinical testing. Allele origin: germline. Affected: yes.
Comment: This variant is classified as Pathogenic. Evidence in support of pathogenic classification: Variant is present in gnomAD (v2) <0.001 for a dominant condition (4 heterozygotes, 0 homozygotes, 0 hemizygotes); This variant has strong previous evidence of pathogenicity in unrelated individuals. This variant is an Ashkenazi Jewish founder mutation and has been classified as pathogenic in ClinVar (PMIDs: 9150741; 27627812); This variant has moderate functional evidence supporting abnormal protein function. HEK293T cells carrying the p.(Arg1683Gln) mutant construct demonstrated impaired trimer formation ability with alpha-3 and alpha-4 collagen chains compared with the wild type construct (PMID: 29526710); Other missense variants comparable to the one identified in this case have moderate previous evidence for pathogenicity. The p.(Arg1677Pro) and p.(Arg1677Leu) comparable variants have each been reported in an individual with Alport Syndrome, respectively (PMIDs: 11223851; 21505094); Missense variant consistently predicted to be damaging by multiple in silico tools and highly conserved with a major amino acid change. Additional information: Variant is predicted to result in a missense amino acid change from arginine to glutamine; This variant is heterozygous; This gene is known to be associated with X-linked dominant disease. Males are typically more severely affected than females (PMID: 19965530); Variant is located in the C-terminal tandem repeated domain in type 4 collagen (NCBI conserved domain); Dominant negative and loss of function are known mechanisms of disease in this gene and are associated with X-linked Alport syndrome 1 (MIM#301050). Dominant negative is caused mostly glycine substitutions that affect the conformation of the protein, and loss of function can be caused by either protein truncating or missense variants (PMID: 24046192, PMID: 12028435); Variants in this gene are known to have variable expressivity. There is intrafamilial variability among affected carrier females, possibly due to variable X-inactivation (PMID: 14514738); Inheritance information for this variant is not currently available in this individual.

Labcorp Genetics (formerly Invitae), Labcorp
Classification: Pathogenic. Last evaluated: 2025-09-09. Review status: criteria provided, single submitter. Criteria: Invitae Variant Classification Sherloc (09022015). Collection method: clinical testing. Allele origin: germline.
Comment: This sequence change replaces arginine, which is basic and polar, with glutamine, which is neutral and polar, at codon 1677 of the COL4A5 protein (p.Arg1677Gln). This variant is present in population databases (rs104886308, gnomAD 0.04%). This missense change has been observed in individuals with adult-onset Alport syndrome (PMID: 9150741, 19919694, 20378821). It has also been observed to segregate with disease in related individuals. ClinVar contains an entry for this variant (Variation ID: 10467). Invitae Evidence Modeling of protein sequence and biophysical properties (such as structural, functional, and spatial information, amino acid conservation, physicochemical variation, residue mobility, and thermodynamic stability) has been performed for this missense variant. However, the output from this modeling did not meet the statistical confidence thresholds required to predict the impact of this variant on COL4A5 protein function. Experimental studies have shown that this missense change affects COL4A5 function (PMID: 18083113). Algorithms developed to predict the effect of sequence changes on RNA splicing suggest that this variant may disrupt the consensus splice site. For these reasons, this variant has been classified as Pathogenic.

3billion
Classification: Pathogenic for X-linked Alport syndrome. Last evaluated: 2025-02-04. Review status: criteria provided, single submitter. Criteria: ACMG Guidelines, 2015. Collection method: clinical testing. Allele origin: germline. Affected: yes.
Comment: The variant is observed at an extremely low frequency in the gnomAD v4.1.0 dataset (total allele frequency: <0.001%). Predicted Consequence/Location: Missense variant Functional studies provide strong evidence of the variant having a damaging effect on the gene or gene product (PMID: 18083113). In silico tool predictions suggest damaging effect of the variant on gene or gene product [REVEL: 0.95 (>=0.6, sensitivity 0.68 and specificity 0.92)]. The same nucleotide change resulting in the same amino acid change has been previously reported as pathogenic/likely pathogenic with strong evidence (ClinVar ID: VCV000010467 /PMID: 9150741 /3billion dataset). Different missense changes at the same codon (p.Arg1683Leu, p.Arg1683Pro) have been reported to be associated with COL4A5-related disorder (PMID: 11223851, 21505094). Therefore, this variant is classified as Pathogenic according to the recommendation of ACMG/AMP guideline.

New York Genome Center
Classification: Pathogenic for X-linked Alport syndrome. Last evaluated: 2024-11-05. Review status: criteria provided, single submitter. Criteria: NYGC Assertion Criteria 2020. Collection method: clinical testing. Allele origin: inherited. Observed: 1 variant allele, 1 heterozygote.
Comment: The c.5048G>A variant in COL4A5 has been previously reported in individuals with X-Linked Alport syndrome and segregated in affected individuals within the families [PMID: 11223851, 9150741, 19919694, 20378821, 29204651, 30586318] and it has been deposited in ClinVar [ClinVar ID:10467] as Pathogenic/Likely Pathogenic by multiple submitters with affected status provided. The c.5048G>A variant is observed in 4 alleles (~0.0003% minor allele frequency with 0 hemizygous) in gnomAD v4.1.0 and 4 alleles (~0.0008 minor allele frequency with 1 hemizygous) in All of Us, suggesting it is not a common benign variant in the populations represented in those databases. The c.5048G>A variant is located in exon 51 of this 51-exon gene and is predicted to replace an evolutionarily conserved arginine amino acid with glutamine at position 1683 (p.(Arg1683Gln)) in the Collagen IV NC1domain of the encoded protein (UniProtKB: P29400). In silico predictions are strongly in favor of damaging effect for the variant p.(Arg1683Gln) [CADD v1.6 = 31, REVEL = 0.95]. Functional studies have shown that the p.(Arg1683Gln) variant results in a loss of formation of type IV collagen heterotrimers [PMID: 18083113, 29526710]. An allelic variant affecting the same codon (c.5048G>T (p.Arg1683L)) has also been reported in the literature in individuals with X-linked Alport Syndrome. [PMID: 21505094]. Based on available evidence, this maternally inherited heterozygous c.5048G>A p.(Arg1683Gln) variant identified in COL4A5 in this sample is classified as Pathogenic.

MVZ Medizinische Genetik Mainz
Classification: Pathogenic for X-linked Alport syndrome. Last evaluated: 2024-09-10. Review status: criteria provided, single submitter. Criteria: UK Practice Guidelines For Variant Classification V4 01 2020. Collection method: clinical testing. Allele origin: germline. Inheritance: X-linked dominant inheritance. Affected: yes. Observed: 1 variant allele.
Comment: ACMG Criteria: PS4,PP3_STR,PM5,PM2_SUP,PP2

Fulgent Genetics
Classification: Pathogenic for X-linked Alport syndrome. Last evaluated: 2023-12-30. Review status: criteria provided, single submitter. Criteria: ACMG Guidelines, 2015. Collection method: clinical testing. Allele origin: germline.

Mayo Clinic Laboratories, Mayo Clinic
Classification: Pathogenic. Last evaluated: 2023-11-03. Review status: criteria provided, single submitter. Criteria: ACMG Guidelines, 2015. Collection method: clinical testing. Allele origin: germline. Observed: 1 variant allele.
Comment: PP1_strong, PP3, PS4

NM_033380.3(COL4A5):c.5048G>A (p.Arg1683Gln)

Gene: COL4A5 (collagen type IV alpha 5 chain; plus strand). Cytogenetic location: Xq22.3.
Variant type: single nucleotide variant.
Coding change: c.5048G>A on transcript NM_033380.3 (MANE Select); coding-DNA position 5048, G replaced by A.
Protein change: p.Arg1683Gln; replaces arginine 1683 with glutamine.
Molecular consequence: missense variant.
Genome position (GRCh38, 1-based): chrX:108,696,350, G>A. VCF-style: chrX-108696350-G-A. GRCh37 (hg19) VCF-style: chrX-107939580-G-A.
Other names: c.5030G>A, p.Arg1677Gln (NM_000495.5); c.5048G>A (NM_033380.2); short protein forms R1677Q, R1683Q.
Identifiers: ClinVar variation 10467 (VCV000010467.39), dbSNP rs104886308, ClinGen allele CA340981.